The following is an entry in ClinVar:

ClinVar aggregate classification (germline): Conflicting classifications of pathogenicity. Review status: criteria provided, conflicting classifications (1 of 4 stars). 2 submissions from 2 submitters: Uncertain significance (1); Likely benign (1). Last evaluated 2025-09-01.

Conditions:
Inborn genetic diseases. Identifiers: MedGen C0950123, MeSH D030342.

Allele frequency attached by ClinVar (database versions not stated): gnomAD exomes below 0.00001 and 0.00002; ExAC 0.00001.

Submissions (2):

Ambry Genetics
Classification: Likely benign for Inborn genetic diseases. Last evaluated: 2025-09-01. Review status: criteria provided, single submitter. Criteria: Ambry Variant Classification Scheme 2023. Collection method: clinical testing. Allele origin: germline.

Labcorp Genetics (formerly Invitae), Labcorp
Classification: Uncertain significance. Last evaluated: 2022-08-09. Review status: criteria provided, single submitter. Criteria: Invitae Variant Classification Sherloc (09022015). Collection method: clinical testing. Allele origin: germline.
Comment: This sequence change replaces tyrosine, which is neutral and polar, with cysteine, which is neutral and slightly polar, at codon 148 of the ESCO2 protein (p.Tyr148Cys). This variant is present in population databases (rs768359741, gnomAD 0.002%). This variant has not been reported in the literature in individuals affected with ESCO2-related conditions. ClinVar contains an entry for this variant (Variation ID: 1408458). Algorithms developed to predict the effect of missense changes on protein structure and function output the following: SIFT: "Tolerated"; PolyPhen-2: "Benign"; Align-GVGD: "Class C0". The cysteine amino acid residue is found in multiple mammalian species, which suggests that this missense change does not adversely affect protein function. In summary, the available evidence is currently insufficient to determine the role of this variant in disease. Therefore, it has been classified as a Variant of Uncertain Significance.

NM_001017420.3(ESCO2):c.443A>G (p.Tyr148Cys)

Gene: ESCO2 (establishment of sister chromatid cohesion N-acetyltransferase 2; plus strand). Cytogenetic location: 8p21.1.
Variant type: single nucleotide variant.
Coding change: c.443A>G on transcript NM_001017420.3 (MANE Select); coding-DNA position 443, A replaced by G.
Protein change: p.Tyr148Cys; replaces tyrosine 148 with cysteine.
Molecular consequence: missense variant.
Genome position (GRCh38, 1-based): chr8:27,776,751, A>G. VCF-style: chr8-27776751-A-G. GRCh37 (hg19) VCF-style: chr8-27634268-A-G.
Other names: c.443A>G (NM_001017420.2); short protein forms Y148C.
Identifiers: ClinVar variation 1408458 (VCV001408458.4), dbSNP rs768359741, ClinGen allele CA4692053.